The following is an entry in ClinVar:

ClinVar aggregate classification (germline): Uncertain significance. Review status: criteria provided, multiple submitters, no conflicts (2 of 4 stars). 4 submissions from 4 submitters: Uncertain significance (4). Last evaluated 2025-01-13.

Conditions:
Retinal dystrophy. Also called: Inherited retinal dystrophy. Identifiers: Orphanet 71862, MedGen C0854723, MeSH D058499, MONDO:0019118, HP:0000556.
Inborn genetic diseases. Identifiers: MedGen C0950123, MeSH D030342.

Allele frequency attached by ClinVar (database versions not stated): ExAC 0.00019; gnomAD 0.00009; TOPMed 0.00011; ESP Exome Variant Server 0.00016; gnomAD exomes 0.00018.
gnomAD v4.1: 187 of 1,613,636 alleles (0.012%); highest among the groups gnomAD compares: Middle Eastern, 0.034%; 1 homozygote.

Submissions (4):

Labcorp Genetics (formerly Invitae), Labcorp
Classification: Uncertain significance. Last evaluated: 2025-01-13. Review status: criteria provided, single submitter. Criteria: Invitae Variant Classification Sherloc (09022015). Collection method: clinical testing. Allele origin: germline.
Comment: This sequence change replaces valine, which is neutral and non-polar, with methionine, which is neutral and non-polar, at codon 1945 of the KIAA1549 protein (p.Val1945Met). This variant is present in population databases (rs370670659, gnomAD 0.05%). This variant has not been reported in the literature in individuals affected with KIAA1549-related conditions. ClinVar contains an entry for this variant (Variation ID: 971094). An algorithm developed to predict the effect of missense changes on protein structure and function outputs the following: PolyPhen-2: "Benign". The methionine amino acid residue is found in multiple mammalian species, which suggests that this missense change does not adversely affect protein function. In summary, the available evidence is currently insufficient to determine the role of this variant in disease. Therefore, it has been classified as a Variant of Uncertain Significance.

Dept Of Ophthalmology, Nagoya University
Classification: Uncertain significance for Retinal dystrophy. Last evaluated: 2023-10-01. Review status: criteria provided, single submitter. Criteria: Submitter's publication. Collection method: research. Allele origin: germline. Affected: yes.

Ambry Genetics
Classification: Uncertain significance for Inborn genetic diseases. Last evaluated: 2022-06-30. Review status: criteria provided, single submitter. Criteria: Ambry Variant Classification Scheme 2023. Collection method: clinical testing. Allele origin: germline.

Breakthrough Genomics
Classification: Uncertain significance. Review status: criteria provided, single submitter. Criteria: ACMG Guidelines, 2015. Collection method: not provided. Allele origin: germline. Inheritance: Autosomal recessive inheritance. Affected: yes.

NM_001164665.2(KIAA1549):c.5833G>A (p.Val1945Met)

Gene: KIAA1549 (KIAA1549; minus strand). Cytogenetic location: 7q34.
Variant type: single nucleotide variant.
Coding change: c.5833G>A on transcript NM_001164665.2 (MANE Select); coding-DNA position 5833, G replaced by A.
Protein change: p.Val1945Met; replaces valine 1945 with methionine.
Molecular consequence: missense variant.
Genome position (GRCh38, 1-based): chr7:138,837,926, C>T on the plus strand (G>A on the coding strand, the complement: KIAA1549 is on the minus strand). VCF-style: chr7-138837926-C-T. GRCh37 (hg19) VCF-style: chr7-138522671-C-T.
Other names: c.5785G>A, p.Val1929Met (NM_020910.3); short protein forms V1945M, V1929M.
Identifiers: ClinVar variation 971094 (VCV000971094.9), dbSNP rs370670659, ClinGen allele CA4505456.
Genomic context (GRCh38, chr7:138,837,926, plus strand): 5'-CAGGAAGCGGATACTTGGCAAATCTGCGAGGCGAGGCCGATCAGCTGTGGAAGTTCTGCA[C>T]GGTGCTCTGTTTCTGGGAGAGCCGGAGGAGCTCCTCGCGGATTGCTTTGATGAGAGAGGC-3'
Protein context (NP_001158137.1, residues 1935-1950): LLRLSQKQST[Val1945Met]QNFHS